The following is an entry in ClinVar:

ClinVar aggregate classification (germline): Pathogenic (1 of 4 stars; one submission).

Submission:

Labcorp Genetics (formerly Invitae), Labcorp
Classification: Pathogenic. Last evaluated: 2024-01-02. Review status: criteria provided, single submitter. Criteria: Invitae Variant Classification Sherloc (09022015). Collection method: clinical testing. Allele origin: unknown.
Comment: This variant is a gross deletion of the genomic region encompassing exon(s) 31-32 of the USH2A gene. This variant would be expected to be in-frame, preserving the integrity of the reading frame. This variant has not been reported in the literature in individuals affected with USH2A-related conditions. This variant disrupts a region of the USH2A protein in which other variant(s) (p.Tyr2028Cys) have been determined to be pathogenic (PMID: 29625443, 33090715). This suggests that this is a clinically significant region of the protein, and that variants that disrupt it are likely to be disease-causing. For these reasons, this variant has been classified as Pathogenic.

Literature cited by the submitters: PubMed 29625443; PubMed 33090715.

NC_000001.10:g.(?_216219753)_(216222009_?)del

Gene: USH2A (usherin; minus strand). Cytogenetic location: 1q41.
Variant type: Deletion.
Identifiers: ClinVar variation 3248059 (VCV003248059.1).